The following is an entry in ClinVar:

NM_001843.4(CNTN1):c.1964-179A>T

Gene: CNTN1 (contactin 1; plus strand). Cytogenetic location: 12q12.
Variant type: single nucleotide variant.
Coding change: c.1964-179A>T on transcript NM_001843.4 (MANE Select); 179 bases into the intron before coding-DNA position 1964, A replaced by T.
Molecular consequence: intron variant.
Genome position (GRCh38, 1-based): chr12:40,992,941, A>T. VCF-style: chr12-40992941-A-T. GRCh37 (hg19) VCF-style: chr12-41386743-A-T.
Other names: c.1931-179A>T (NM_175038.2).
Identifiers: ClinVar variation 679162 (VCV000679162.1), dbSNP rs278912, ClinGen allele CA235944965.

ClinVar aggregate classification (germline): Benign (1 of 4 stars; one submission).

Allele frequency attached by ClinVar (database versions not stated): 1000 Genomes Project 0.23403; 1000 Genomes Project 30x 0.24032; gnomAD 0.26070 and 0.26798; TOPMed 0.26092.
gnomAD v4.1: 39,602 of 152,102 alleles (26%); highest among the groups gnomAD compares: African/African-American, 37%; 5,568 homozygotes.

Submission:

GeneDx
Classification: Benign. Last evaluated: 2018-06-16. Review status: criteria provided, single submitter. Criteria: GeneDx Variant Classification (06012015). Collection method: clinical testing. Allele origin: germline. Affected: yes.
Comment: This variant is considered likely benign or benign based on one or more of the following criteria: it is a conservative change, it occurs at a poorly conserved position in the protein, it is predicted to be benign by multiple in silico algorithms, and/or has population frequency not consistent with disease.